The following is an entry in ClinVar:

ClinVar aggregate classification (germline): Uncertain significance (1 of 4 stars; one submission).

Submission:

Labcorp Genetics (formerly Invitae), Labcorp
Classification: Uncertain significance. Last evaluated: 2025-11-04. Review status: criteria provided, single submitter. Criteria: Invitae Variant Classification Sherloc (09022015). Collection method: clinical testing. Allele origin: germline.
Comment: This variant, c.1170_1172del, results in the deletion of 1 amino acid(s) of the TAOK2 protein (p.Glu392del), but otherwise preserves the integrity of the reading frame. The frequency data for this variant in the population databases is considered unreliable, as metrics indicate poor data quality at this position in the gnomAD database. This variant has not been reported in the literature in individuals affected with TAOK2-related conditions. Experimental studies and prediction algorithms are not available or were not evaluated, and the functional significance of this variant is currently unknown. In summary, the available evidence is currently insufficient to determine the role of this variant in disease. Therefore, it has been classified as a Variant of Uncertain Significance.

NM_016151.4(TAOK2):c.1161GGA[3] (p.Glu392del)

Gene: TAOK2 (TAO kinase 2; plus strand). Cytogenetic location: 16p11.2.
Variant type: Microsatellite.
Coding change: c.1161GGA[3] on transcript NM_016151.4 (MANE Select); three copies in a row of the 3-base unit GGA starting at c.1161; the reference has four copies in a row; one copy, 3 bases deleted.
Protein change: p.Glu392del; deletes glutamic acid 392.
Molecular consequence: inframe deletion.
Genome position (GRCh38, 1-based): chr16:29,983,242-29,983,244, GGA deleted; deleting any 3 consecutive bases within chr16:29,983,231-29,983,244 gives the same sequence; the position shown is the placement nearest the transcript's 3' end. VCF-style (leftmost placement, unchanged base first): chr16-29983230-AGAG-A. GRCh37 (hg19) VCF-style: chr16-29994551-AGAG-A.
Other names: c.1161GGA[3], p.Glu392del (NM_001252043.2, NM_004783.4); short protein forms E392del.
Identifiers: ClinVar variation 1353544 (VCV001353544.8), dbSNP rs754877282, ClinGen allele CA7998059.
Genomic context (GRCh38, chr16:29,983,230, plus strand): 5'-CTCCGTCAACAGCCTAGCAGATGCCTCAGACAACGAGGAAGAGGAGGAGGAGGAGGAGGA[AGAG>A]GAGGAGGAGGAAGAAGGCCCTGAAGCCCGGGAGATGGCCATGATGCAGGAGGGGGAGCAC-3'